The following is an entry in ClinVar:

ClinVar aggregate classification (germline): Uncertain significance (1 of 4 stars; one submission).

Conditions:
Arrhythmogenic cardiomyopathy with wooly hair and keratoderma. Also called: PALMOPLANTAR KERATODERMA WITH LEFT VENTRICULAR CARDIOMYOPATHY AND WOOLLY HAIR; Carvajal syndrome; Dilated cardiomyopathy with woolly hair and keratoderma; Arrhythmogenic cardiomyopathy with woolly hair and keratoderma. Identifiers: Orphanet 65282, MedGen C1854063, MONDO:0011581, OMIM 605676.
Arrhythmogenic right ventricular dysplasia 8 (ARVD8). Also called: Arrhythmogenic Right Ventricular Dysplasia/Cardiomyopathy 8; ARRHYTHMOGENIC RIGHT VENTRICULAR DYSPLASIA, FAMILIAL, 8; ARRHYTHMOGENIC RIGHT VENTRICULAR CARDIOMYOPATHY 8. Identifiers: MedGen C1843896, MONDO:0011831, OMIM 607450.

Submission:

Labcorp Genetics (formerly Invitae), Labcorp
Classification: Uncertain significance for Arrhythmogenic cardiomyopathy with wooly hair and keratoderma; Arrhythmogenic right ventricular dysplasia 8. Last evaluated: 2024-10-04. Review status: criteria provided, single submitter. Criteria: Invitae Variant Classification Sherloc (09022015). Collection method: clinical testing. Allele origin: germline.
Comment: This sequence change replaces asparagine, which is neutral and polar, with lysine, which is basic and polar, at codon 1561 of the DSP protein (p.Asn1561Lys). This variant is not present in population databases (gnomAD no frequency). This variant has not been reported in the literature in individuals affected with DSP-related conditions. An algorithm developed to predict the effect of missense changes on protein structure and function (PolyPhen-2) suggests that this variant is likely to be tolerated. In summary, the available evidence is currently insufficient to determine the role of this variant in disease. Therefore, it has been classified as a Variant of Uncertain Significance.

NM_004415.4(DSP):c.4683C>A (p.Asn1561Lys)

Gene: DSP (desmoplakin; plus strand). Cytogenetic location: 6p24.3.
Variant type: single nucleotide variant.
Coding change: c.4683C>A on transcript NM_004415.4 (MANE Select); coding-DNA position 4683, C replaced by A.
Protein change: p.Asn1561Lys; replaces asparagine 1561 with lysine.
Molecular consequence: missense variant. On other transcripts: intron variant (2).
Genome position (GRCh38, 1-based): chr6:7,580,873, C>A. VCF-style: chr6-7580873-C-A. GRCh37 (hg19) VCF-style: chr6-7581106-C-A.
Other names: c.4050+633C>A (NM_001319034.2); c.3582+1101C>A (NM_001008844.3); short protein forms N1561K.
Identifiers: ClinVar variation 3759357 (VCV003759357.2).
Genomic context (GRCh38, chr6:7,580,873, plus strand): 5'-CTATGAAAGGGTTTCCCAGGAGAGGACTGTGAAGGACCAGGATATCACGCGGTTCCAGAA[C>A]TCTCTGAAAGAGCTGCAGCTGCAGAAGCAGAAGGTGGAAGAGGAGCTGAATCGGCTGAAG-3'
Protein context (NP_004406.2, residues 1551-1571): VKDQDITRFQ[Asn1561Lys]SLKELQLQKQ